The following is an entry in ClinVar:

NM_014846.4(WASHC5):c.1747A>G (p.Arg583Gly)

Gene: WASHC5 (WASH complex subunit 5; minus strand). Cytogenetic location: 8q24.13.
Variant type: single nucleotide variant.
Coding change: c.1747A>G on transcript NM_014846.4 (MANE Select); coding-DNA position 1747, A replaced by G.
Protein change: p.Arg583Gly; replaces arginine 583 with glycine.
Molecular consequence: missense variant.
Genome position (GRCh38, 1-based): chr8:125,059,239, T>C on the plus strand (A>G on the coding strand, the complement: WASHC5 is on the minus strand). VCF-style: chr8-125059239-T-C. GRCh37 (hg19) VCF-style: chr8-126071481-T-C.
Other names: c.1303A>G, p.Arg435Gly (NM_001330609.2); short protein forms R583G, R435G.
Identifiers: ClinVar variation 573698 (VCV000573698.12), dbSNP rs761801345, ClinGen allele CA372191709.

ClinVar aggregate classification (germline): Conflicting classifications of pathogenicity. Review status: criteria provided, conflicting classifications (1 of 4 stars). 2 submissions from 2 submitters: Pathogenic (1); Uncertain significance (1). Last evaluated 2018-04-17.

Conditions:
Ritscher-Schinzel syndrome. Also called: CRANIOCEREBELLOCARDIAC DYSPLASIA. Identifiers: Orphanet 7, MedGen C0796137, MONDO:0019078.
Hereditary spastic paraplegia 8 (SPG8). Also called: SPASTIC PARAPLEGIA 8, AUTOSOMAL DOMINANT. Identifiers: Orphanet 100989, MedGen C1863704, MONDO:0011339, OMIM 603563.

Submissions (2):

Labcorp Genetics (formerly Invitae), Labcorp
Classification: Uncertain significance for Ritscher-Schinzel syndrome; Hereditary spastic paraplegia 8. Last evaluated: 2018-04-17. Review status: criteria provided, single submitter. Criteria: Invitae Variant Classification Sherloc (09022015). Collection method: clinical testing. Allele origin: germline.
Comment: Algorithms developed to predict the effect of missense changes on protein structure and function do not agree on the potential impact of this missense change (SIFT: "Deleterious"; PolyPhen-2: "Probably Damaging"; Align-GVGD: "Class C0"). In summary, the available evidence is currently insufficient to determine the role of this variant in disease. Therefore, it has been classified as a Variant of Uncertain Significance. This variant has not been reported in the literature in individuals with WASHC5-related disease. This variant is not present in population databases (ExAC no frequency). This sequence change replaces arginine with glycine at codon 583 of the WASHC5 protein (p.Arg583Gly). The arginine residue is highly conserved and there is a moderate physicochemical difference between arginine and glycine.

Paris Brain Institute, Inserm - ICM
Classification: Pathogenic for Hereditary spastic paraplegia 8. Review status: criteria provided, single submitter. Criteria: ACMG Guidelines, 2015. Collection method: clinical testing. Allele origin: unknown. Affected: yes. Observed: 1 variant allele.